The following is an entry in ClinVar:

ClinVar aggregate classification (germline): Conflicting classifications of pathogenicity. Review status: criteria provided, conflicting classifications (1 of 4 stars). 2 submissions from 2 submitters: Likely pathogenic (1); Uncertain significance (1). Last evaluated 2025-11-10.

Allele frequency attached by ClinVar (database versions not stated): gnomAD 0.00001 and 0.00002; gnomAD exomes 0.00001 and 0.00002; ExAC 0.00002; TOPMed 0.00002.
gnomAD v4.1: 22 of 1,613,030 alleles (0.0014%); highest among the groups gnomAD compares: Middle Eastern, 0.016%; no homozygotes.

Submissions (2):

Labcorp Genetics (formerly Invitae), Labcorp
Classification: Likely pathogenic. Last evaluated: 2025-11-10. Review status: criteria provided, single submitter. Criteria: Invitae Variant Classification Sherloc (09022015). Collection method: clinical testing. Allele origin: germline.
Comment: This sequence change affects a donor splice site in intron 10 of the CHD8 gene. It is expected to disrupt RNA splicing. Variants that disrupt the donor or acceptor splice site typically lead to a loss of protein function (PMID: 16199547), and loss-of-function variants in CHD8 are known to be pathogenic (PMID: 24998929, 26789910). This variant is present in population databases (rs748109741, gnomAD 0.009%). This variant has not been reported in the literature in individuals affected with CHD8-related conditions. ClinVar contains an entry for this variant (Variation ID: 493140). Algorithms developed to predict the effect of sequence changes on RNA splicing suggest that this variant may disrupt the consensus splice site. In summary, the currently available evidence indicates that the variant is pathogenic, but additional data are needed to prove that conclusively. Therefore, this variant has been classified as Likely Pathogenic.

CeGaT Center for Human Genetics Tuebingen
Classification: Uncertain significance. Last evaluated: 2017-09-01. Review status: criteria provided, single submitter. Criteria: CeGaT Center For Human Genetics Tuebingen Variant Classification Criteria Version 2. Collection method: clinical testing. Allele origin: germline. Affected: yes. Observed: 1 variant allele.

Literature cited by the submitters: PubMed 16199547 (cited by Labcorp Genetics (formerly Invitae), Labcorp); PubMed 24998929 (cited by Labcorp Genetics (formerly Invitae), Labcorp); PubMed 26789910 (cited by Labcorp Genetics (formerly Invitae), Labcorp).

NM_001170629.2(CHD8):c.2364+2T>C

Gene: CHD8 (chromodomain helicase DNA binding protein 8; minus strand). Cytogenetic location: 14q11.2.
Variant type: single nucleotide variant.
Coding change: c.2364+2T>C on transcript NM_001170629.2 (MANE Select); the canonical splice donor site of the intron after coding-DNA position 2364, T replaced by C.
Molecular consequence: splice donor variant.
Genome position (GRCh38, 1-based): chr14:21,409,849, A>G on the plus strand (T>C on the coding strand, the complement: CHD8 is on the minus strand). VCF-style: chr14-21409849-A-G. GRCh37 (hg19) VCF-style: chr14-21878008-A-G.
Other names: c.1527+2T>C (NM_020920.4).
Identifiers: ClinVar variation 493140 (VCV000493140.46), dbSNP rs748109741, ClinGen allele CA7091590.